The following is an entry in ClinVar:

NM_002700.3(POU4F3):c.517A>T (p.Met173Leu)

Genes: POU4F3 (POU class 4 homeobox 3; plus strand), RBM27-POU4F3 (RBM27-POU4F3 readthrough; plus strand). Cytogenetic location: 5q32.
Variant type: single nucleotide variant.
Coding change: c.517A>T on transcript NM_002700.3 (MANE Select); coding-DNA position 517, A replaced by T.
Protein change: p.Met173Leu; replaces methionine 173 with leucine.
Molecular consequence: missense variant.
Genome position (GRCh38, 1-based): chr5:146,339,944, A>T. VCF-style: chr5-146339944-A-T. GRCh37 (hg19) VCF-style: chr5-145719507-A-T.
Other names: short protein forms M173L.
Identifiers: ClinVar variation 1314825 (VCV001314825.3), dbSNP rs142910284, ClinGen allele CA3491155.

ClinVar aggregate classification (germline): Uncertain significance (1 of 4 stars; one submission).

Allele frequency attached by ClinVar (database versions not stated): gnomAD exomes 0.00001 and 0.00004; ExAC 0.00004; TOPMed 0.00008; gnomAD 0.00009 and 0.00011; ESP Exome Variant Server 0.00015.

Submission:

GeneDx
Classification: Uncertain significance. Last evaluated: 2023-05-15. Review status: criteria provided, single submitter. Criteria: GeneDx Variant Classification Process June 2021. Collection method: clinical testing. Allele origin: germline. Affected: yes.
Comment: In silico analysis supports that this missense variant does not alter protein structure/function; Has not been previously published as pathogenic or benign to our knowledge